The following is an entry in ClinVar:

ClinVar aggregate classification (germline): Conflicting classifications of pathogenicity. Review status: criteria provided, conflicting classifications (1 of 4 stars). 4 submissions from 2 submitters: Uncertain significance (2); Likely benign (2). Last evaluated 2023-12-19.

Conditions:
Complement component 3 deficiency. Identifiers: Orphanet 280133, MedGen C3151071, MONDO:0013417, OMIM 613779.
Atypical hemolytic-uremic syndrome with C3 anomaly. Also called: AHUS, SUSCEPTIBILITY TO, 5. Identifiers: Orphanet 2134, MedGen C2752037, MONDO:0013043, OMIM 612925.
Age related macular degeneration 9. Identifiers: MedGen C1969651, MONDO:0012659, OMIM 611378.

Allele frequency attached by ClinVar (database versions not stated): TOPMed 0.00001; gnomAD 0.00003; gnomAD exomes 0.00004; ExAC 0.00005.

Submissions (4):

Blueprint Genetics
Classification: Likely benign. Last evaluated: 2023-12-19. Review status: criteria provided, single submitter. Criteria: ACMG Guidelines, 2015. Collection method: clinical testing. Allele origin: germline.

Illumina Laboratory Services, Illumina
Classification: Uncertain significance for Age related macular degeneration 9. Last evaluated: 2018-01-12. Review status: criteria provided, single submitter. Criteria: ICSL Variant Classification Criteria 13 December 2019. Collection method: clinical testing. Allele origin: germline.

Illumina Laboratory Services, Illumina
Classification: Likely benign for Atypical hemolytic-uremic syndrome with C3 anomaly. Last evaluated: 2018-01-12. Review status: criteria provided, single submitter. Criteria: ICSL Variant Classification Criteria 13 December 2019. Collection method: clinical testing. Allele origin: germline.
Comment: This variant was observed in the ICSL laboratory as part of a predisposition screen in an ostensibly healthy population. It had not been previously curated by ICSL or reported in the Human Gene Mutation Database (HGMD: prior to June 1st, 2018), and was therefore a candidate for classification through an automated scoring system. Utilizing variant allele frequency, disease prevalence and penetrance estimates, and inheritance mode, an automated score was calculated to assess if this variant is too frequent to cause the disease. Based on the score and internal cut-off values, a variant classified as likely benign is not then subjected to further curation. The score for this variant resulted in a classification of likely benign for this disease.

Illumina Laboratory Services, Illumina
Classification: Uncertain significance for Complement component 3 deficiency. Last evaluated: 2018-01-12. Review status: criteria provided, single submitter. Criteria: ICSL Variant Classification Criteria 13 December 2019. Collection method: clinical testing. Allele origin: germline.

NM_000064.4(C3):c.1164C>T (p.Pro388=)

Gene: C3 (complement C3; minus strand). Cytogenetic location: 19p13.3.
Variant type: single nucleotide variant.
Coding change: c.1164C>T on transcript NM_000064.4 (MANE Select); coding-DNA position 1164, C replaced by T.
Protein change: p.Pro388=; no amino-acid change (proline 388 retained).
Molecular consequence: synonymous variant.
Genome position (GRCh38, 1-based): chr19:6,712,362, G>A on the plus strand (C>T on the coding strand, the complement: C3 is on the minus strand). VCF-style: chr19-6712362-G-A. GRCh37 (hg19) VCF-style: chr19-6712373-G-A.
Other names: c.1164C>T (LRG_27t1).
Identifiers: ClinVar variation 330328 (VCV000330328.6), dbSNP rs769368306, ClinGen allele CA9129537.